The following is an entry in ClinVar:

NM_080425.4(GNAS):c.586G>A (p.Gly196Arg)

Genes: GNAS (GNAS complex locus; plus strand), GNAS-AS1 (GNAS antisense RNA 1; minus strand). Cytogenetic location: 20q13.32.
Variant type: single nucleotide variant.
Coding change: c.586G>A on transcript NM_080425.4 (MANE Plus Clinical); coding-DNA position 586, G replaced by A.
Protein change: p.Gly196Arg; replaces glycine 196 with arginine.
Molecular consequence: missense variant. On other transcripts: synonymous variant (2), intron variant (3).
Genome position (GRCh38, 1-based): chr20:58,853,851, G>A. VCF-style: chr20-58853851-G-A. GRCh37 (hg19) VCF-style: chr20-57428906-G-A.
Other names: c.399G>A, p.Pro133= (NM_001077490.3, NM_001309883.1); c.586G>A, p.Gly196Arg (NM_001410913.1); c.*42+12965G>A (NM_016592.5); c.43+12965G>A (NM_001410912.1); c.-39+11976G>A (NM_001309861.2); short protein forms G196R.
Identifiers: ClinVar variation 3354382 (VCV003354382.2).

ClinVar aggregate classification (germline): Uncertain significance. Review status: criteria provided, single submitter (1 of 4 stars). 2 submissions from 2 submitters: Uncertain significance (1). 1 of the submissions does not count toward it. Last evaluated 2026-08-06.

Conditions:
GNAS-related disorder. Identifiers: MedGen CN380105.
ACTH-independent macronodular adrenal hyperplasia 1 (AIMAH1). Also called: ACTH-independent macronodular adrenal hyperplasia, somatic; CORTICOTROPIN-INDEPENDENT MACRONODULAR ADRENAL HYPERPLASIA; CUSHING SYNDROME, ADRENAL, DUE TO AIMAH; ADRENOCORTICOTROPIC HORMONE-INDEPENDENT MACRONODULAR ADRENAL HYPERPLASIA; ACTH-INDEPENDENT MACRONODULAR ADRENOCORTICAL HYPERPLASIA. Identifiers: MedGen C1857451, MONDO:0020735, OMIM 219080.

gnomAD v4.1: 5 of 1,594,808 alleles (0.00031%); highest among the groups gnomAD compares: Middle Eastern, 0.017%; no homozygotes.

Submissions (2):

OLLIN Analises Genomicas, OLLIN
Classification: Uncertain significance for ACTH-independent macronodular adrenal hyperplasia 1. Last evaluated: 2026-08-06. Review status: criteria provided, single submitter. Criteria: ACMG Guidelines 2015 PMID 25741868. Collection method: clinical testing. Allele origin: germline.
Comment: This variant, has been reported in ClinVar (accession VCV003354382.1), in gnomAD with an allele frequency of 0.00031%, and in the scientific literature, segregating with the phenotype, in individuals with GNAS-AS1 related disorders (PMID: 21823526). This gene is constrained for missense variation. According to the currently available evidence, this variant has been classified as uncertain significance (PP1, PP2, BP4).

PreventionGenetics, part of Exact Sciences
Classification: Uncertain significance for GNAS-related condition. Last evaluated: 2024-06-19. Review status: no assertion criteria provided. Collection method: clinical testing. Allele origin: germline. Not counted in ClinVar's aggregate classification.
Comment: The GNAS c.586G>A variant is predicted to result in the amino acid substitution p.Gly196Arg. This variant is also referred as NM_000516.5:c.-37876G>A. This variant has not been reported in a large population database, indicating this variant is rare. At this time, the clinical significance of this variant is uncertain due to the absence of conclusive functional and genetic evidence.

Literature cited by the submitters: PubMed 21823526 (cited by OLLIN Analises Genomicas, OLLIN).